The following is an entry in ClinVar:

ClinVar aggregate classification (germline): Uncertain significance (1 of 4 stars; one submission).

Conditions:
Alkaptonuria (AKU). Also called: HOMOGENTISIC ACID OXIDASE DEFICIENCY; Alkaptonuric ochronosis; Alcaptonuria; Homogentisic acidura. Identifiers: Orphanet 56, MedGen C0002066, MONDO:0008753, OMIM 203500.

Submission:

Laboratorio de Genetica e Diagnostico Molecular, Hospital Israelita Albert Einstein
Classification: Uncertain significance for Alkaptonuria. Last evaluated: 2024-11-29. Review status: criteria provided, single submitter. Criteria: ACMG Guidelines, 2015. Collection method: clinical testing. Allele origin: germline. Affected: yes.
Comment: ACMG classification criteria: PM2 supporting, PM3 moderate, PP3 supporting

NM_000187.4(HGD):c.1007-172A>G

Gene: HGD (homogentisate 1,2-dioxygenase; minus strand). Cytogenetic location: 3q13.33.
Variant type: single nucleotide variant.
Coding change: c.1007-172A>G on transcript NM_000187.4 (MANE Select); 172 bases into the intron before coding-DNA position 1007, A replaced by G.
Molecular consequence: intron variant.
Genome position (GRCh38, 1-based): chr3:120,633,500, T>C on the plus strand (A>G on the coding strand, the complement: HGD is on the minus strand). VCF-style: chr3-120633500-T-C. GRCh37 (hg19) VCF-style: chr3-120352347-T-C.
Identifiers: ClinVar variation 4846808 (VCV004846808.1).
Genomic context (GRCh38, chr3:120,633,500, plus strand): 5'-AATTGTATAGGATTAATAAAGAATATGGATTGACAGAAGAACAATCATAAAACATTCATA[T>C]TGGCATTCTTGGCAGGCACAGCTCTACTCCATGGCCATGTGGATTATCAGAGGTCTCGAG-3'